The following is an entry in ClinVar:

ClinVar aggregate classification (germline): Uncertain significance (1 of 4 stars; one submission).

Conditions:
Hereditary cancer-predisposing syndrome. Also called: Neoplastic Syndromes, Hereditary; Tumor predisposition; Hereditary neoplastic syndrome; Hereditary Cancer Syndrome. Identifiers: Orphanet 140162, MedGen C0027672, MeSH D009386, MONDO:0015356.

Submission:

Ambry Genetics
Classification: Uncertain significance for Hereditary cancer-predisposing syndrome. Last evaluated: 2026-07-06. Review status: criteria provided, single submitter. Criteria: Ambry Variant Classification Scheme 2023. Collection method: clinical testing. Allele origin: germline.
Comment: The p.Q87P variant (also known as c.260A>C), located in coding exon 4 of the MAX gene, results from an A to C substitution at nucleotide position 260. The glutamine at codon 87 is replaced by proline, an amino acid with similar properties. This amino acid position is conserved. In addition, this alteration is predicted to be tolerated by in silico analysis. Based on the available evidence, the clinical significance of this variant remains unclear.

NM_002382.5(MAX):c.172-6175A>C

Gene: MAX (MYC associated transcriptional regulator X; minus strand). Cytogenetic location: 14q23.3.
Variant type: single nucleotide variant.
Coding change: c.172-6175A>C on transcript NM_002382.5 (MANE Select); 6175 bases into the intron before coding-DNA position 172, A replaced by C.
Molecular consequence: intron variant. On other transcripts: missense variant (3), 3 prime UTR variant (1), non-coding transcript variant (4).
Genome position (GRCh38, 1-based): chr14:65,084,211, T>G on the plus strand (A>C on the coding strand, the complement: MAX is on the minus strand). VCF-style: chr14-65084211-T-G. GRCh37 (hg19) VCF-style: chr14-65550929-T-G.
Other names: c.233A>C, p.Gln78Pro (NM_001271068.2, NM_001407113.1); c.*34A>C (NM_001407114.1); c.260A>C, p.Gln87Pro (NM_145114.3); c.144+9497A>C (NM_001271069.2); c.171+9497A>C (NM_197957.4); c.-196-6175A>C (NM_001407112.1, NM_001407111.1); c.-103-6175A>C (NM_001407106.1, NM_001407107.1, NM_001320415.2 and 1 more transcripts); c.145-6175A>C (NM_001407095.1, NM_001407110.1, NM_001407102.1 and 6 more transcripts); and 2 more; short protein forms Q78P, Q87P.
Identifiers: ClinVar variation 5023964 (VCV005023964.1).